The following is an entry in ClinVar:

NM_001130823.3(DNMT1):c.4414C>T (p.Arg1472Trp)

Gene: DNMT1 (DNA methyltransferase 1; minus strand). Cytogenetic location: 19p13.2.
Variant type: single nucleotide variant.
Coding change: c.4414C>T on transcript NM_001130823.3 (MANE Select); coding-DNA position 4414, C replaced by T.
Protein change: p.Arg1472Trp; replaces arginine 1472 with tryptophan.
Molecular consequence: missense variant.
Genome position (GRCh38, 1-based): chr19:10,137,160, G>A on the plus strand (C>T on the coding strand, the complement: DNMT1 is on the minus strand). VCF-style: chr19-10137160-G-A. GRCh37 (hg19) VCF-style: chr19-10247836-G-A.
Other names: c.4366C>T, p.Arg1456Trp (NM_001318730.2, NM_001379.4); c.4051C>T, p.Arg1351Trp (NM_001318731.2); short protein forms R1472W, R1351W, R1456W.
Identifiers: ClinVar variation 969489 (VCV000969489.28), dbSNP rs2089501636, ClinGen allele CA403969480.

ClinVar aggregate classification (germline): Uncertain significance. Review status: criteria provided, multiple submitters, no conflicts (2 of 4 stars). 2 submissions from 2 submitters: Uncertain significance (2). Last evaluated 2022-03-01.

Conditions:
Hereditary sensory neuropathy-deafness-dementia syndrome. Also called: Hereditary sensory neuropathy type IE; NEUROPATHY, HEREDITARY SENSORY, WITH HEARING LOSS AND DEMENTIA; Hereditary Sensory and Autonomic Neuropathy Type 1E (HSAN1E); HSN IE. Identifiers: Orphanet 456318, MedGen C3279885, MONDO:0013584, OMIM 614116.

Allele frequency attached by ClinVar (database versions not stated): gnomAD exomes below 0.00001.
gnomAD v4.1: 3 of 1,609,724 alleles (0.00019%); highest among the groups gnomAD compares: East Asian, 0.0022%; no homozygotes.

Submissions (2):

CeGaT Center for Human Genetics Tuebingen
Classification: Uncertain significance. Last evaluated: 2022-03-01. Review status: criteria provided, single submitter. Criteria: CeGaT Center For Human Genetics Tuebingen Variant Classification Criteria Version 2. Collection method: clinical testing. Allele origin: germline. Affected: yes. Observed: 1 variant allele.
Comment: DNMT1: PM2, PP2

Labcorp Genetics (formerly Invitae), Labcorp
Classification: Uncertain significance for Hereditary sensory neuropathy-deafness-dementia syndrome. Last evaluated: 2021-12-02. Review status: criteria provided, single submitter. Criteria: Invitae Variant Classification Sherloc (09022015). Collection method: clinical testing. Allele origin: germline.
Comment: This sequence change replaces arginine, which is basic and polar, with tryptophan, which is neutral and slightly polar, at codon 1472 of the DNMT1 protein (p.Arg1472Trp). This variant is not present in population databases (gnomAD no frequency). This variant has not been reported in the literature in individuals affected with DNMT1-related conditions. ClinVar contains an entry for this variant (Variation ID: 969489). Algorithms developed to predict the effect of missense changes on protein structure and function are either unavailable or do not agree on the potential impact of this missense change (SIFT: "Deleterious"; PolyPhen-2: "Probably Damaging"; Align-GVGD: "Class C0"). In summary, the available evidence is currently insufficient to determine the role of this variant in disease. Therefore, it has been classified as a Variant of Uncertain Significance.